The following is an entry in ClinVar:

ClinVar aggregate classification (germline): Pathogenic. Review status: criteria provided, multiple submitters, no conflicts (2 of 4 stars). 9 submissions from 9 submitters: Pathogenic (9). Last evaluated 2025-11-08.

Conditions:
Bilateral frontoparietal polymicrogyria. Also called: CEREBELLAR ATAXIA WITH NEURONAL MIGRATION DEFECT; CORTICAL DYSPLASIA, COMPLEX, WITH OTHER BRAIN MALFORMATIONS 14A (BILATERAL FRONTOPARIETAL). Identifiers: Orphanet 101070, MedGen C1847352, MONDO:0011738, OMIM 606854.
Polymicrogyria, bilateral perisylvian, autosomal recessive (CDCBM14B). Also called: CORTICAL DYSPLASIA, COMPLEX, WITH OTHER BRAIN MALFORMATIONS 14B (BILATERAL PERISYLVIAN). Identifiers: MedGen C3810405, MONDO:0014333, OMIM 615752.

Allele frequency attached by ClinVar (database versions not stated): TOPMed 0.00003; ExAC 0.00004; gnomAD 0.00002.

Submissions (9):

Kasturba Medical College, Manipal, Kasturba Medical College, Manipal, Manipal Academy of Higher Education, Manipal, India
Classification: Pathogenic for Bilateral frontoparietal polymicrogyria. Last evaluated: 2025-11-08. Review status: criteria provided, single submitter. Criteria: ACMG Guidelines, 2015. Collection method: research. Allele origin: maternal. Inheritance: Autosomal recessive inheritance. Affected: yes. Observed: 1 heterozygote.
Comment: This variant is present in 32 individuals in heterozygous state and absent in homozygous state in gnomAD (v4.1.0) population database. This same variant is absent in heterozygous and/or homozygous state in and our in-house database of 3871 individuals. This variant is predicted to introduce a premature termination codon in the transcript which may either lead to nonsense-mediated mRNA decay of the transcript or the formation of a truncated protein product.

Natera, Inc.
Classification: Pathogenic for Bilateral frontoparietal polymicrogyria. Last evaluated: 2025-09-30. Review status: criteria provided, single submitter. Criteria: Natera Variant Classification Schema (03/2026). Collection method: clinical testing. Allele origin: germline.
Comment: The c.1426C>T variant in ADGRG1 is a nonsense variant predicted to introduce a stop codon at amino acid 476. This variant is expected to result in nonsense mediated decay, truncation, or a dysfunctional protein product. This variant is rare in the general population with a frequency below the threshold expected for the associated phenotype(s). This variant has been observed in one or more individuals affected with the associated recessive disease, as either homozygous or compound heterozygous with a second variant (PMID: 29707406). Additionally, this variant has been observed to segregate in affected family members (PMID: 29707406). Given the available evidence, this variant is classified as Pathogenic.

Labcorp Genetics (formerly Invitae), Labcorp
Classification: Pathogenic. Last evaluated: 2025-07-29. Review status: criteria provided, single submitter. Criteria: Invitae Variant Classification Sherloc (09022015). Collection method: clinical testing. Allele origin: germline.
Comment: This sequence change creates a premature translational stop signal (p.Arg476*) in the ADGRG1 gene. It is expected to result in an absent or disrupted protein product. Loss-of-function variants in ADGRG1 are known to be pathogenic (PMID: 15044805, 20929962). This variant is present in population databases (rs587783652, gnomAD 0.01%). This premature translational stop signal has been observed in individual(s) with clinical features of bilateral frontoparietal polymicrogyria and bilateral frontoparietal polymicrogyria (PMID: 25922261, 29707406). ClinVar contains an entry for this variant (Variation ID: 158618). For these reasons, this variant has been classified as Pathogenic.

First Genomix Gene Laboratory, Genetic Diagnostics Department
Classification: Pathogenic for Bilateral frontoparietal polymicrogyria; Polymicrogyria, bilateral perisylvian, autosomal recessive. Last evaluated: 2025-06-04. Review status: criteria provided, single submitter. Criteria: ACMG Guidelines, 2015. Collection method: clinical testing. Allele origin: germline. Inheritance: Autosomal recessive inheritance. Affected: no. Observed: 1 variant allele.

Women's Health and Genetics/Laboratory Corporation of America, LabCorp
Classification: Pathogenic for Bilateral frontoparietal polymicrogyria. Last evaluated: 2025-04-24. Review status: criteria provided, single submitter. Criteria: LabCorp Variant Classification Summary - May 2015. Collection method: clinical testing. Allele origin: germline.
Comment: Variant summary: ADGRG1 c.1426C>T (p.Arg476X) results in a premature termination codon, predicted to cause a truncation of the encoded protein or absence of the protein due to nonsense mediated decay, which are commonly known mechanisms for disease. The variant allele was found at a frequency of 4.8e-05 in 249890 control chromosomes. This frequency is not significantly higher than estimated for a pathogenic variant in ADGRG1 causing Polymicrogyria, Bilateral Frontoparietal (4.8e-05 vs 0.0011), allowing no conclusion about variant significance. c.1426C>T has been observed in homozygous individuals affected with Polymicrogyria, Bilateral Frontoparietal (e.g. Sawal_2018). These data indicate that the variant is likely to be associated with disease. To our knowledge, no experimental evidence demonstrating an impact on protein function has been reported. The following publication has been ascertained in the context of this evaluation (PMID: 29707406). ClinVar contains an entry for this variant (Variation ID: 158618). Based on the evidence outlined above, the variant was classified as pathogenic.

Revvity Omics, Revvity
Classification: Pathogenic. Last evaluated: 2025-01-23. Review status: criteria provided, single submitter. Criteria: ACMG Guidelines, 2015. Collection method: clinical testing. Allele origin: germline.

Fulgent Genetics
Classification: Pathogenic for Bilateral frontoparietal polymicrogyria; Polymicrogyria, bilateral perisylvian, autosomal recessive. Last evaluated: 2018-10-31. Review status: criteria provided, single submitter. Criteria: ACMG Guidelines, 2015. Collection method: clinical testing. Allele origin: unknown.

Courtagen Diagnostics Laboratory, Courtagen Life Sciences
Classification: Pathogenic for Polymicrogyria, bilateral frontoparietal. Last evaluated: 2015-01-05. Review status: criteria provided, single submitter. Criteria: Courtagen Life Sciences Classifications. Collection method: clinical testing. Allele origin: maternal.

Genetic Services Laboratory, University of Chicago
Classification: Pathogenic for Polymicrogyria, bilateral frontoparietal. Last evaluated: 2013-05-16. Review status: criteria provided, single submitter. Criteria: ACMG Guidelines, 2007. Collection method: clinical testing. Allele origin: germline. Inheritance: Autosomal recessive inheritance. Affected: yes.

Literature cited by the submitters: PubMed 25922261 (cited by Kasturba Medical College, Manipal, Kasturba Medical College, Manipal, Manipal Academy of Higher Education, Manipal, India and Labcorp Genetics (formerly Invitae), Labcorp); PubMed 29707406 (cited by 4 submitters); PubMed 15044805 (cited by Labcorp Genetics (formerly Invitae), Labcorp); PubMed 20929962 (cited by Labcorp Genetics (formerly Invitae), Labcorp).

NM_201525.4(ADGRG1):c.1408C>T (p.Arg470Ter)

Gene: ADGRG1 (adhesion G protein-coupled receptor G1; plus strand). Cytogenetic location: 16q21.
Variant type: single nucleotide variant.
Coding change: c.1408C>T on transcript NM_201525.4 (MANE Select); coding-DNA position 1408, C replaced by T.
Protein change: p.Arg470Ter; replaces arginine 470 with a stop codon.
Molecular consequence: nonsense.
Genome position (GRCh38, 1-based): chr16:57,659,534, C>T. VCF-style: chr16-57659534-C-T. GRCh37 (hg19) VCF-style: chr16-57693446-C-T.
Other names: c.1408C>T, p.Arg470Ter (NM_001145770.3, NM_001145772.3, NM_001145774.3 and 7 more transcripts); c.1426C>T, p.Arg476Ter (NM_001145771.3, NM_001370428.1, NM_001370429.1 and 4 more transcripts); c.1423C>T, p.Arg475Ter (NM_001145773.3, NM_001370433.1, NM_001370434.1); c.916C>T, p.Arg306Ter (NM_001290142.2); c.901C>T, p.Arg301Ter (NM_001290143.2); c.883C>T, p.Arg295Ter (NM_001290144.2, NM_001370451.1, NM_001370453.1 and 1 more transcripts); c.1405C>T, p.Arg469Ter (NM_001370441.1); c.1252C>T, p.Arg418Ter (NM_001370442.1); short protein forms R476*, R470*, R295*, R301*, R418*, R469*, R306*, R475*.
Identifiers: ClinVar variation 158618 (VCV000158618.23), dbSNP rs587783652, ClinGen allele CA271525.
Genomic context (GRCh38, chr16:57,659,534, plus strand): 5'-CTGGACACGAGCTTCCTGCTCAGCGAGCCGGTGGCCCTGACAGGCTCTGAGGCTGGCTGC[C>T]GAGCCAGTGCCATCTTCCTGCACTTCTCCCTGCTCACCTGCCTTTCCTGGATGGGCCTCG-3'